The following is an entry in ClinVar:

NM_001394062.1(MACF1):c.14709G>T (p.Gln4903His)

Genes: MACF1 (microtubule actin crosslinking factor 1; plus strand), LOC114803468 (MACF1 eExon liver enhancer; plus strand). Cytogenetic location: 1p34.3.
Variant type: single nucleotide variant.
Coding change: c.14709G>T on transcript NM_001394062.1 (MANE Select); coding-DNA position 14709, G replaced by T.
Protein change: p.Gln4903His; replaces glutamine 4903 with histidine.
Molecular consequence: missense variant.
Genome position (GRCh38, 1-based): chr1:39,387,551, G>T. VCF-style: chr1-39387551-G-T. GRCh37 (hg19) VCF-style: chr1-39853223-G-T.
Other names: c.8523G>T, p.Gln2841His (NM_012090.5); short protein forms Q2841H, Q4903H.
Identifiers: ClinVar variation 2575669 (VCV002575669.2), dbSNP rs617405, ClinGen allele CA339740455.

ClinVar aggregate classification (germline): Uncertain significance. Review status: criteria provided, multiple submitters, no conflicts (2 of 4 stars). 2 submissions from 2 submitters: Uncertain significance (2). Last evaluated 2026-09-18.

Conditions:
Lissencephaly 9 with complex brainstem malformation. Identifiers: Orphanet 572013, MedGen C5193029, MONDO:0032677, OMIM 618325.

Submissions (2):

GeneDx
Classification: Uncertain significance. Last evaluated: 2026-09-18. Review status: criteria provided, single submitter. Criteria: GeneDx Variant Classification Process June 2021. Collection method: clinical testing. Allele origin: germline.
Comment: Not observed at significant frequency in large population cohorts (gnomAD); In silico analysis supports that this missense variant has a deleterious effect on protein structure/function; Has not been previously published as pathogenic or benign to our knowledge

Neuberg Centre For Genomic Medicine, NCGM
Classification: Uncertain significance for Lissencephaly 9 with complex brainstem malformation. Review status: criteria provided, single submitter. Criteria: ACMG Guidelines, 2015. Collection method: clinical testing. Allele origin: germline. Inheritance: Autosomal dominant inheritance. Affected: yes.
Comment: The c.8523G>T (p.Gln2841His) missense variant in MACF1 gene has not been reported previously as a pathogenic variant nor as a benign variant, to our knowledge. The p.Gln2841His variant is novel (not in any individuals) in gnomAD Exomes and 1000 Genomes. The amino acid Gln at position 2841 is changed to a His changing protein sequence and it might alter its composition and physico-chemical properties. The variant is predicted to be damaging by both SIFT and PolyPhen2. The residue is conserved across species. The amino acid change p.Gln2841His in MACF1 is predicted as conserved by GERP++ and PhyloP across 100 vertebrates. For these reasons, this variant has been classified as Variant of Uncertain Significance (VUS).